The following is an entry in ClinVar:

ClinVar aggregate classification (germline): Conflicting classifications of pathogenicity. Review status: criteria provided, conflicting classifications (1 of 4 stars). 3 submissions from 3 submitters: Uncertain significance (1); Likely benign (2). Last evaluated 2025-10-30.

Conditions:
ADAMTS10-related disorder. Also called: ADAMTS10-related condition.

Allele frequency attached by ClinVar (database versions not stated): gnomAD exomes 0.00001; TOPMed 0.00005; ExAC 0.00002.
gnomAD v4.1: 26 of 1,613,706 alleles (0.0016%); highest among the groups gnomAD compares: African/African-American, 0.011%; no homozygotes.

Submissions (3):

Labcorp Genetics (formerly Invitae), Labcorp
Classification: Likely benign. Last evaluated: 2025-10-30. Review status: criteria provided, single submitter. Criteria: Invitae Variant Classification Sherloc (09022015). Collection method: clinical testing. Allele origin: germline.

Mayo Clinic Laboratories, Mayo Clinic
Classification: Likely benign. Last evaluated: 2025-10-02. Review status: criteria provided, single submitter. Criteria: ACMG Guidelines, 2015. Collection method: clinical testing. Allele origin: germline. Observed: 1 variant allele.
Comment: BP4, BP7

PreventionGenetics, part of Exact Sciences
Classification: Uncertain significance for ADAMTS10-related condition. Last evaluated: 2023-04-14. Review status: criteria provided, single submitter. Criteria: ACMG Guidelines, 2015. Collection method: clinical testing. Allele origin: germline.
Comment: The ADAMTS10 c.362G>A variant is predicted to result in the amino acid substitution p.Arg121His. To our knowledge, this variant has not been reported in the literature. This variant is reported in 0.0056% of alleles in individuals of Latino descent in gnomAD. At this time, the clinical significance of this variant is uncertain due to the absence of conclusive functional and genetic evidence.

NM_030957.4(ADAMTS10):c.1890G>A (p.Thr630=)

Gene: ADAMTS10 (ADAM metallopeptidase with thrombospondin type 1 motif 10; minus strand). Cytogenetic location: 19p13.2.
Variant type: single nucleotide variant.
Coding change: c.1890G>A on transcript NM_030957.4 (MANE Select); coding-DNA position 1890, G replaced by A.
Protein change: p.Thr630=; no amino-acid change (threonine 630 retained).
Molecular consequence: synonymous variant. On other transcripts: missense variant (1).
Genome position (GRCh38, 1-based): chr19:8,589,899, C>T on the plus strand (G>A on the coding strand, the complement: ADAMTS10 is on the minus strand). VCF-style: chr19-8589899-C-T. GRCh37 (hg19) VCF-style: chr19-8654783-C-T.
Other names: p.Thr630=; c.362G>A, p.Arg121His (NM_001282352.2); short protein forms R121H.
Identifiers: ClinVar variation 2636681 (VCV002636681.5), dbSNP rs782085654, ClinGen allele CA9160334.